The following is an entry in ClinVar:

NC_000002.11:g.(?_62053590)_(62054413_?)del

Gene: FAM161A (FAM161 centrosomal protein A; minus strand). Cytogenetic location: 2p15.
Variant type: Deletion.
Identifiers: ClinVar variation 3247486 (VCV003247486.1).

ClinVar aggregate classification (germline): Likely pathogenic (1 of 4 stars; one submission).

Submission:

Labcorp Genetics (formerly Invitae), Labcorp
Classification: Likely pathogenic. Last evaluated: 2023-12-14. Review status: criteria provided, single submitter. Criteria: Invitae Variant Classification Sherloc (09022015). Collection method: clinical testing. Allele origin: unknown.
Comment: This variant is a gross deletion of the genomic region encompassing exon(s) 6-7 of the FAM161A gene, which includes the termination codon. This deletion extends beyond the assayed region for this gene and therefore may encompass additional genes. While this deletion is not anticipated to lead to nonsense mediated decay, it is expected to alter mRNA translation or result in a truncated protein product. A similar copy number variant has been observed in individuals with retinitis pigmentosa (Invitae). In summary, the currently available evidence indicates that the variant is pathogenic, but additional data are needed to prove that conclusively. Therefore, this variant has been classified as Likely Pathogenic.